The following is an entry in ClinVar:

ClinVar aggregate classification (germline): Likely benign (1 of 4 stars; one submission).

gnomAD v4.1: 92 of 1,578,782 alleles (0.0058%); highest among the groups gnomAD compares: African/African-American, 0.081%; 3 homozygotes.

Submission:

Mayo Clinic Laboratories, Mayo Clinic
Classification: Likely benign. Last evaluated: 2025-10-02. Review status: criteria provided, single submitter. Criteria: ACMG Guidelines, 2015. Collection method: clinical testing. Allele origin: germline. Observed: 2 variant alleles.
Comment: BP4, BP7

NM_003742.4(ABCB11):c.3412-30C>T

Gene: ABCB11 (ATP binding cassette subfamily B member 11; minus strand). Cytogenetic location: 2q31.1.
Variant type: single nucleotide variant.
Coding change: c.3412-30C>T on transcript NM_003742.4 (MANE Select); 30 bases into the intron before coding-DNA position 3412, C replaced by T.
Molecular consequence: intron variant.
Genome position (GRCh38, 1-based): chr2:168,927,392, G>A on the plus strand (C>T on the coding strand, the complement: ABCB11 is on the minus strand). VCF-style: chr2-168927392-G-A. GRCh37 (hg19) VCF-style: chr2-169783902-G-A.
Other names: p.?.
Identifiers: ClinVar variation 4684597 (VCV004684597.1).
Genomic context (GRCh38, chr2:168,927,392, plus strand): 5'-TTACTTTTTTGCTGTCATGACCATCTATCATCTGCCAATAGAGGAGATGACAGGTCATTA[G>A]GTTTTTAGAATTCCAGCAGTGAGGAAAGTTCATATTCTAGCATTAGGTGTTATGCAGGAC-3'